The following is an entry in ClinVar:

ClinVar aggregate classification (germline): Uncertain significance (1 of 4 stars; one submission).

Conditions:
Hereditary spastic paraplegia 39 (SPG39). Also called: SPASTIC PARAPLEGIA 39, AUTOSOMAL RECESSIVE; Spastic Paraplegia Type 39 (SPG39). Identifiers: Orphanet 139480, MedGen C2677586, MONDO:0012787, OMIM 612020.

Submission:

Labcorp Genetics (formerly Invitae), Labcorp
Classification: Uncertain significance for Hereditary spastic paraplegia 39. Last evaluated: 2020-01-03. Review status: criteria provided, single submitter. Criteria: Invitae Variant Classification Sherloc (09022015). Collection method: clinical testing. Allele origin: germline.
Comment: In summary, the available evidence is currently insufficient to determine the role of this variant in disease. Therefore, it has been classified as a Variant of Uncertain Significance. Experimental studies and prediction algorithms are not available or were not evaluated, and the functional significance of this variant is currently unknown. This variant has not been reported in the literature in individuals with PNPLA6-related conditions. This variant is not present in population databases (ExAC no frequency). This sequence change results in a frameshift in the PNPLA6 gene (p.*1328Gluext*33). While this is not anticipated to result in nonsense mediated decay, it is expected to disrupt the termination codon of the PNPLA6 protein and extend the protein by an additional 33 amino acids.

NM_001166114.2(PNPLA6):c.4095del (p.Ter1366GluextTer?)

Gene: PNPLA6 (patatin like domain 6, lysophospholipase; plus strand). Cytogenetic location: 19p13.2.
Variant type: Deletion.
Coding change: c.4095del on transcript NM_001166114.2 (MANE Select); coding-DNA position 4095, one base deleted (C; older notation c.4095delC).
Protein change: p.Ter1366GluextTer?.
Molecular consequence: frameshift variant.
Genome position (GRCh38, 1-based): chr19:7,561,559, C deleted; the last of 2 consecutive C bases (chr19:7,561,558-7,561,559); deleting either gives the same sequence. VCF-style (leftmost placement, unchanged base first): chr19-7561557-GC-G. GRCh37 (hg19) VCF-style: chr19-7626443-GC-G.
Other names: c.4125del, p.Ter1376GluextTer? (NM_001166111.2); c.3900del, p.Ter1301GluextTer? (NM_001166112.2); c.3981del, p.Ter1328GluextTer? (NM_001166113.1, NM_006702.5).
Identifiers: ClinVar variation 1002344 (VCV001002344.7), dbSNP rs2024103130, ClinGen allele CA2320980015.